The following is an entry in ClinVar:

ClinVar aggregate classification (germline): Uncertain significance (1 of 4 stars; one submission).

Conditions:
Joubert syndrome. Also called: CEREBELLOPARENCHYMAL DISORDER IV; JOUBERT-BOLTSHAUSER SYNDROME; Familial aplasia of the vermis. Identifiers: Orphanet 475, MedGen C5979921, MONDO:0018772.
Meckel-Gruber syndrome. Also called: DYSENCEPHALIA SPLANCHNOCYSTICA; GRUBER SYNDROME; Dysencephalia splachnocystica. Identifiers: Orphanet 564, MedGen C0265215, MONDO:0018921.

Submission:

Labcorp Genetics (formerly Invitae), Labcorp
Classification: Uncertain significance for Joubert syndrome; Meckel-Gruber syndrome. Last evaluated: 2022-10-18. Review status: criteria provided, single submitter. Criteria: Invitae Variant Classification Sherloc (09022015). Collection method: clinical testing. Allele origin: germline.
Comment: This sequence change replaces threonine, which is neutral and polar, with alanine, which is neutral and non-polar, at codon 658 of the RPGRIP1L protein (p.Thr658Ala). This variant is not present in population databases (gnomAD no frequency). This variant has not been reported in the literature in individuals affected with RPGRIP1L-related conditions. Advanced modeling of protein sequence and biophysical properties (such as structural, functional, and spatial information, amino acid conservation, physicochemical variation, residue mobility, and thermodynamic stability) performed at Invitae indicates that this missense variant is expected to disrupt RPGRIP1L protein function. In summary, the available evidence is currently insufficient to determine the role of this variant in disease. Therefore, it has been classified as a Variant of Uncertain Significance.

NM_015272.5(RPGRIP1L):c.1972A>G (p.Thr658Ala)

Gene: RPGRIP1L (RPGRIP1 like; minus strand). Cytogenetic location: 16q12.2.
Variant type: single nucleotide variant.
Coding change: c.1972A>G on transcript NM_015272.5 (MANE Select); coding-DNA position 1972, A replaced by G.
Protein change: p.Thr658Ala; replaces threonine 658 with alanine.
Molecular consequence: missense variant.
Genome position (GRCh38, 1-based): chr16:53,652,715, T>C on the plus strand (A>G on the coding strand, the complement: RPGRIP1L is on the minus strand). VCF-style: chr16-53652715-T-C. GRCh37 (hg19) VCF-style: chr16-53686627-T-C.
Other names: c.1972A>G, p.Thr658Ala (NM_001127897.4, NM_001308334.3, NM_001330538.2); short protein forms T658A.
Identifiers: ClinVar variation 2158474 (VCV002158474.4), dbSNP rs766013946, ClinGen allele CA395916924.